The following is an entry in ClinVar:

NM_000051.4(ATM):c.7090-17G>A

Genes: ATM (ATM serine/threonine kinase; plus strand), C11orf65 (chromosome 11 open reading frame 65; minus strand). Cytogenetic location: 11q22.3.
Variant type: single nucleotide variant.
Coding change: c.7090-17G>A on transcript NM_000051.4 (MANE Select); 17 bases into the intron before coding-DNA position 7090, G replaced by A.
Molecular consequence: intron variant.
Genome position (GRCh38, 1-based): chr11:108,329,004, G>A. VCF-style: chr11-108329004-G-A. GRCh37 (hg19) VCF-style: chr11-108199731-G-A.
Other names: c.7090-17G>A (NM_001351834.2); c.641-19933C>T (NM_001330368.2); c.*38+6216C>T (NM_001351110.2).
Identifiers: ClinVar variation 2162815 (VCV002162815.4), dbSNP rs1555121895, ClinGen allele CA2580083291.

ClinVar aggregate classification (germline): Likely benign. Review status: criteria provided, multiple submitters, no conflicts (2 of 4 stars). 2 submissions from 2 submitters: Likely benign (2). Last evaluated 2024-06-13.

Conditions:
Ataxia-telangiectasia syndrome (AT). Also called: ATAXIA-TELANGIECTASIA, COMPLEMENTATION GROUP A; ATAXIA-TELANGIECTASIA, FRESNO VARIANT; Ataxia-telangiectasia; Ataxia-telangiectasia, complementation group E; LOUIS-BAR SYNDROME; Cerebello-oculocutaneous telangiectasia. Identifiers: Orphanet 100, MedGen C0004135, MONDO:0008840, OMIM 208900.
Familial cancer of breast. Also called: BREAST CANCER, FAMILIAL; hereditary breast carcinoma; Hereditary breast cancer. Identifiers: Orphanet 227535, MedGen C0346153, MONDO:0016419, OMIM 114480. Disease mechanism: loss of function.

Submissions (2):

Myriad Genetics, Inc.
Classification: Likely benign for Familial cancer of breast. Last evaluated: 2024-06-13. Review status: criteria provided, single submitter. Criteria: Myriad Autosomal Dominant, Autosomal Recessive and X-Linked Classification Criteria (2023). Collection method: clinical testing. Allele origin: unknown.
Comment: This variant is considered likely benign. This variant is intronic and is not expected to impact mRNA splicing.

Labcorp Genetics (formerly Invitae), Labcorp
Classification: Likely benign for Ataxia-telangiectasia syndrome. Last evaluated: 2023-10-22. Review status: criteria provided, single submitter. Criteria: Invitae Variant Classification Sherloc (09022015). Collection method: clinical testing. Allele origin: germline.